The following is an entry in ClinVar:

ClinVar aggregate classification (germline): Uncertain significance. Review status: criteria provided, multiple submitters, no conflicts (2 of 4 stars). 2 submissions from 2 submitters: Uncertain significance (2). Last evaluated 2021-08-27.

Conditions:
Hereditary cancer-predisposing syndrome. Also called: Tumor predisposition; Hereditary Cancer Syndrome; Neoplastic Syndromes, Hereditary; Hereditary neoplastic syndrome. Identifiers: Orphanet 140162, MedGen C0027672, MeSH D009386, MONDO:0015356.
Tuberous sclerosis 2 (TSC2). Identifiers: Orphanet 805, MedGen C1860707, MONDO:0013199, OMIM 613254.

Submissions (2):

Ambry Genetics
Classification: Uncertain significance for Hereditary cancer-predisposing syndrome. Last evaluated: 2021-08-27. Review status: criteria provided, single submitter. Criteria: Ambry Variant Classification Scheme 2023. Collection method: clinical testing. Allele origin: germline.
Comment: The p.D416N variant (also known as c.1246G>A), located in coding exon 11 of the TSC2 gene, results from a G to A substitution at nucleotide position 1246. The aspartic acid at codon 416 is replaced by asparagine, an amino acid with highly similar properties. This amino acid position is well conserved in available vertebrate species. In addition, this alteration is predicted to be tolerated by in silico analysis. Since supporting evidence is limited at this time, the clinical significance of this alteration remains unclear.

Labcorp Genetics (formerly Invitae), Labcorp
Classification: Uncertain significance for Tuberous sclerosis 2. Last evaluated: 2020-02-26. Review status: criteria provided, single submitter. Criteria: Invitae Variant Classification Sherloc (09022015). Collection method: clinical testing. Allele origin: germline.
Comment: In summary, the available evidence is currently insufficient to determine the role of this variant in disease. Therefore, it has been classified as a Variant of Uncertain Significance. Algorithms developed to predict the effect of missense changes on protein structure and function are either unavailable or do not agree on the potential impact of this missense change (SIFT: "Deleterious"; PolyPhen-2: "Benign"; Align-GVGD: "Class C0"). This variant has not been reported in the literature in individuals with TSC2-related conditions. This variant is not present in population databases (ExAC no frequency). This sequence change replaces aspartic acid with asparagine at codon 416 of the TSC2 protein (p.Asp416Asn). The aspartic acid residue is highly conserved and there is a small physicochemical difference between aspartic acid and asparagine.

NM_000548.5(TSC2):c.1246G>A (p.Asp416Asn)

Gene: TSC2 (TSC complex subunit 2; plus strand). Cytogenetic location: 16p13.3.
Variant type: single nucleotide variant.
Coding change: c.1246G>A on transcript NM_000548.5 (MANE Select); coding-DNA position 1246, G replaced by A.
Protein change: p.Asp416Asn; replaces aspartic acid 416 with asparagine.
Molecular consequence: missense variant.
Genome position (GRCh38, 1-based): chr16:2,061,997, G>A. VCF-style: chr16-2061997-G-A. GRCh37 (hg19) VCF-style: chr16-2111998-G-A.
Other names: c.1246G>A, p.Asp416Asn (NM_001077183.3, NM_001114382.3, NM_001363528.2 and 3 more transcripts); c.1135G>A, p.Asp379Asn (NM_001318827.2); c.1099G>A, p.Asp367Asn (NM_001318829.2); c.646G>A, p.Asp216Asn (NM_001318831.2); c.1279G>A, p.Asp427Asn (NM_001318832.2); short protein forms D216N, D367N, D379N, D416N, D427N.
Identifiers: ClinVar variation 1018552 (VCV001018552.11), dbSNP rs45517157, ClinGen allele CA394321451.